The following is an entry in ClinVar:

ClinVar aggregate classification (germline): Uncertain significance (1 of 4 stars; one submission).

Conditions:
Progressive myoclonic epilepsy type 7. Identifiers: Orphanet 435438, MedGen C4015420, MONDO:0014521, OMIM 616187.

Allele frequency attached by ClinVar (database versions not stated): gnomAD exomes below 0.00001.
gnomAD v4.1: 1 of 1,551,470 alleles (0.000064%); highest among the groups gnomAD compares: Non-Finnish European, 0.000087%; no homozygotes.

Submission:

Labcorp Genetics (formerly Invitae), Labcorp
Classification: Uncertain significance for Progressive myoclonic epilepsy type 7. Last evaluated: 2023-10-13. Review status: criteria provided, single submitter. Criteria: Invitae Variant Classification Sherloc (09022015). Collection method: clinical testing. Allele origin: germline.
Comment: This sequence change replaces aspartic acid, which is acidic and polar, with asparagine, which is neutral and polar, at codon 523 of the KCNC1 protein (p.Asp523Asn). This variant is not present in population databases (gnomAD no frequency). This variant has not been reported in the literature in individuals affected with KCNC1-related conditions. ClinVar contains an entry for this variant (Variation ID: 1382607). Advanced modeling of protein sequence and biophysical properties (such as structural, functional, and spatial information, amino acid conservation, physicochemical variation, residue mobility, and thermodynamic stability) performed at Invitae indicates that this missense variant is expected to disrupt KCNC1 protein function. In summary, the available evidence is currently insufficient to determine the role of this variant in disease. Therefore, it has been classified as a Variant of Uncertain Significance.

NM_001112741.2(KCNC1):c.1567G>A (p.Asp523Asn)

Gene: KCNC1 (potassium voltage-gated channel subfamily C member 1; plus strand). Cytogenetic location: 11p15.1.
Variant type: single nucleotide variant.
Coding change: c.1567G>A on transcript NM_001112741.2 (MANE Select); coding-DNA position 1567, G replaced by A.
Protein change: p.Asp523Asn; replaces aspartic acid 523 with asparagine.
Molecular consequence: missense variant.
Genome position (GRCh38, 1-based): chr11:17,779,518, G>A. VCF-style: chr11-17779518-G-A. GRCh37 (hg19) VCF-style: chr11-17801065-G-A.
Other names: short protein forms D523N.
Identifiers: ClinVar variation 1382607 (VCV001382607.8), dbSNP rs2133810423, ClinGen allele CA379814193.